The following is an entry in ClinVar:

ClinVar aggregate classification (germline): Uncertain significance (1 of 4 stars; one submission).

Conditions:
Hereditary cancer-predisposing syndrome. Also called: Neoplastic Syndromes, Hereditary; Tumor predisposition; Hereditary Cancer Syndrome; Hereditary neoplastic syndrome. Identifiers: Orphanet 140162, MedGen C0027672, MeSH D009386, MONDO:0015356.

Submission:

Ambry Genetics
Classification: Uncertain significance for Hereditary cancer-predisposing syndrome. Last evaluated: 2023-03-26. Review status: criteria provided, single submitter. Criteria: Ambry Variant Classification Scheme 2023. Collection method: clinical testing. Allele origin: germline.
Comment: The p.D855E variant (also known as c.2565C>A), located in coding exon 16 of the RAD50 gene, results from a C to A substitution at nucleotide position 2565. The aspartic acid at codon 855 is replaced by glutamic acid, an amino acid with highly similar properties. This amino acid position is highly conserved in available vertebrate species. In addition, this alteration is predicted to be tolerated by in silico analysis. Since supporting evidence is limited at this time, the clinical significance of this alteration remains unclear.

NM_005732.4(RAD50):c.2565C>A (p.Asp855Glu)

Gene: RAD50 (RAD50 double strand break repair protein; plus strand). Cytogenetic location: 5q31.1.
Variant type: single nucleotide variant.
Coding change: c.2565C>A on transcript NM_005732.4 (MANE Select); coding-DNA position 2565, C replaced by A.
Protein change: p.Asp855Glu; replaces aspartic acid 855 with glutamic acid.
Molecular consequence: missense variant.
Genome position (GRCh38, 1-based): chr5:132,604,846, C>A. VCF-style: chr5-132604846-C-A. GRCh37 (hg19) VCF-style: chr5-131940538-C-A.
Other names: short protein forms D855E.
Identifiers: ClinVar variation 821493 (VCV000821493.5), dbSNP rs1581002038, ClinGen allele CA360956348.